The following is an entry in ClinVar:

ClinVar aggregate classification (germline): Uncertain significance (1 of 4 stars; one submission).

Conditions:
Autosomal recessive ataxia, Beauce type. Also called: SYNE1-Related Autosomal Recessive Cerebellar Ataxia; Spinocerebellar ataxia, autosomal recessive 8; ATAXIA, RECESSIVE, OF BEAUCE; SYNE1 Deficiency. Identifiers: Orphanet 88644, MedGen C1853116, MONDO:0012549, OMIM 610743.
Emery-Dreifuss muscular dystrophy 4, autosomal dominant (EDMD4). Also called: EMERY-DREIFUSS MUSCULAR DYSTROPHY 4 WITH VARIABLE FEATURES. Identifiers: Orphanet 261, MedGen C2751807, MONDO:0013071, OMIM 612998.

Submission:

Labcorp Genetics (formerly Invitae), Labcorp
Classification: Uncertain significance for Emery-Dreifuss muscular dystrophy 4, autosomal dominant; Autosomal recessive ataxia, Beauce type. Last evaluated: 2025-05-27. Review status: criteria provided, single submitter. Criteria: Invitae Variant Classification Sherloc (09022015). Collection method: clinical testing. Allele origin: germline.
Comment: This sequence change replaces lysine, which is basic and polar, with asparagine, which is neutral and polar, at codon 5476 of the SYNE1 protein (p.Lys5476Asn). This variant is not present in population databases (gnomAD no frequency). This variant has not been reported in the literature in individuals affected with SYNE1-related conditions. ClinVar contains an entry for this variant (Variation ID: 1500074). An algorithm developed to predict the effect of missense changes on protein structure and function (PolyPhen-2) suggests that this variant is likely to be tolerated. In summary, the available evidence is currently insufficient to determine the role of this variant in disease. Therefore, it has been classified as a Variant of Uncertain Significance.

NM_182961.4(SYNE1):c.16641A>T (p.Lys5547Asn)

Gene: SYNE1 (spectrin repeat containing nuclear envelope protein 1; minus strand). Cytogenetic location: 6q25.2.
Variant type: single nucleotide variant.
Coding change: c.16641A>T on transcript NM_182961.4 (MANE Select); coding-DNA position 16641, A replaced by T.
Protein change: p.Lys5547Asn; replaces lysine 5547 with asparagine.
Molecular consequence: missense variant.
Genome position (GRCh38, 1-based): chr6:152,316,918, T>A on the plus strand (A>T on the coding strand, the complement: SYNE1 is on the minus strand). VCF-style: chr6-152316918-T-A. GRCh37 (hg19) VCF-style: chr6-152638053-T-A.
Other names: c.16428A>T, p.Lys5476Asn (NM_033071.5); short protein forms K5476N, K5547N.
Identifiers: ClinVar variation 1500074 (VCV001500074.8), dbSNP rs2153893118, ClinGen allele CA366110404.